The following is an entry in ClinVar:

ClinVar aggregate classification (germline): Uncertain significance. Review status: criteria provided, multiple submitters, no conflicts (2 of 4 stars). 8 submissions from 8 submitters: Uncertain significance (7). 1 of the submissions does not count toward it. Last evaluated 2026-06-11.

Conditions:
Inborn genetic diseases. Identifiers: MedGen C0950123, MeSH D030342.
Retinitis pigmentosa (RP). Identifiers: Orphanet 791, MedGen C0035334, MeSH D012174, MONDO:0019200, OMIM 268000. Inheritance: Autosomal dominant, autosomal recessive and X linked inheritance.
CEP290-related disorder. Also called: CEP290-related disorders; CEP290-related condition. Identifiers: MedGen CN239314.
Leber congenital amaurosis (LCA). Also called: Leber's amaurosis. Identifiers: Orphanet 65, MedGen C0339527, MeSH D057130, MONDO:0018998.
Joubert syndrome. Also called: Familial aplasia of the vermis; JOUBERT-BOLTSHAUSER SYNDROME. Identifiers: Orphanet 475, MedGen C5979921, MONDO:0018772.
Nephronophthisis. Also called: Juvenile Nephronophthisis. Identifiers: Orphanet 655, MedGen C0687120, MONDO:0019005, HP:0000090.
Meckel-Gruber syndrome. Also called: DYSENCEPHALIA SPLANCHNOCYSTICA; GRUBER SYNDROME; Dysencephalia splachnocystica. Identifiers: Orphanet 564, MedGen C0265215, MONDO:0018921.
Bardet-Biedl syndrome 14 (BBS14). Identifiers: Orphanet 110, MedGen C2673874, MONDO:0014442, OMIM 615991.
Senior-Loken syndrome 6 (SLSN6). Identifiers: Orphanet 3156, MedGen C1857779, MONDO:0012433, OMIM 610189.
Meckel syndrome, type 4 (MKS4). Also called: MECKEL-GRUBER SYNDROME, TYPE 4. Identifiers: Orphanet 564, MedGen C1970161, MONDO:0012626, OMIM 611134.
Joubert syndrome 5 (JBTS5). Identifiers: Orphanet 2318, MedGen C1857780, MONDO:0012432, OMIM 610188.
Leber congenital amaurosis 10 (LCA10). Identifiers: Orphanet 65, MedGen C1857821, MONDO:0012723, OMIM 611755.
Joubert syndrome 1 (JBTS1). Also called: CEREBELLOPARENCHYMAL DISORDER IV; Cerebellooculorenal syndrome 1. Identifiers: MedGen C4551568, MONDO:0008944, OMIM 213300.

Allele frequency attached by ClinVar (database versions not stated): gnomAD 0.00001; TOPMed 0.00003.

Submissions (8):

PreventionGenetics, part of Exact Sciences
Classification: Uncertain significance for CEP290-related condition. Last evaluated: 2026-06-11. Review status: criteria provided, single submitter. Criteria: ACMG Guidelines, 2015. Collection method: clinical testing. Allele origin: germline.
Comment: The CEP290 c.3911T>C variant is predicted to result in the amino acid substitution p.Met1304Thr. This variant has been reported in individuals with inherited retinal dystrophies (compound heterozygous, Supplementary Table S2, Peter et al. 2023. PubMed ID: 36909829; Sallum et al. 2020. PubMed ID: 32865313). To our knowledge, this variant has not been reported in a large population database, indicating this variant is rare. At this time, the clinical significance of this variant is uncertain due to the absence of conclusive functional and genetic evidence.

Ambry Genetics
Classification: Uncertain significance for Inborn genetic diseases. Last evaluated: 2025-12-05. Review status: criteria provided, single submitter. Criteria: Ambry Variant Classification Scheme 2023. Collection method: clinical testing. Allele origin: germline.
Comment: The c.3911T>C (p.M1304T) alteration is located in exon 31 (coding exon 30) of the CEP290 gene. This alteration results from a T to C substitution at nucleotide position 3911, causing the methionine (M) at amino acid position 1304 to be replaced by a threonine (T). Based on data from gnomAD, the C allele has an overall frequency of <0.001% (0/235594) total alleles studied. The highest observed frequency was <0.001% (/) of alleles. Based on insufficient or conflicting evidence, the clinical significance of this alteration remains unclear.

Fulgent Genetics
Classification: Uncertain significance for Joubert syndrome 5; Senior-Loken syndrome 6; Meckel syndrome, type 4; Leber congenital amaurosis 10; Bardet-Biedl syndrome 14. Last evaluated: 2024-05-17. Review status: criteria provided, single submitter. Criteria: ACMG Guidelines, 2015. Collection method: clinical testing. Allele origin: germline.

Blueprint Genetics
Classification: Uncertain significance. Last evaluated: 2024-03-19. Review status: criteria provided, single submitter. Criteria: ACMG Guidelines, 2015. Collection method: clinical testing. Allele origin: germline.

Ophthalmic Genetics Group, Institute of Molecular and Clinical Ophthalmology Basel
Classification: Uncertain significance for Retinitis pigmentosa. Last evaluated: 2023-07-24. Review status: criteria provided, single submitter. Criteria: ACMG Guidelines, 2015. Collection method: research. Allele origin: germline. Affected: yes. Observed: 1 variant allele.
Comment: Clinical significance based on ACMG v2.0

This variant was classified as Uncertain significance based on ACMG criteria: PM2, BP4.

Labcorp Genetics (formerly Invitae), Labcorp
Classification: Uncertain significance for Joubert syndrome; Meckel-Gruber syndrome; Nephronophthisis. Last evaluated: 2022-08-23. Review status: criteria provided, single submitter. Criteria: Invitae Variant Classification Sherloc (09022015). Collection method: clinical testing. Allele origin: germline.
Comment: This sequence change replaces methionine, which is neutral and non-polar, with threonine, which is neutral and polar, at codon 1304 of the CEP290 protein (p.Met1304Thr). This variant is not present in population databases (gnomAD no frequency). This missense change has been observed in individuals with inherited retinal dystrophy (PMID: 32865313; Invitae). ClinVar contains an entry for this variant (Variation ID: 802877). Algorithms developed to predict the effect of missense changes on protein structure and function (SIFT, PolyPhen-2, Align-GVGD) all suggest that this variant is likely to be tolerated. In summary, the available evidence is currently insufficient to determine the role of this variant in disease. Therefore, it has been classified as a Variant of Uncertain Significance.

Mendelics
Classification: Uncertain significance for Joubert syndrome 1. Last evaluated: 2019-05-28. Review status: criteria provided, single submitter. Criteria: Mendelics Assertion Criteria 2017. Collection method: clinical testing. Allele origin: unknown.

Natera, Inc.
Classification: Uncertain significance for Leber congenital amaurosis. Last evaluated: 2020-04-16. Review status: no assertion criteria provided. Collection method: clinical testing. Allele origin: germline. Not counted in ClinVar's aggregate classification.

Literature cited by the submitters: PubMed 32865313 (cited by Ambry Genetics and Labcorp Genetics (formerly Invitae), Labcorp); PubMed 36909829 (cited by Ambry Genetics and Ophthalmic Genetics Group, Institute of Molecular and Clinical Ophthalmology Basel); PubMed 38777102 (cited by Ambry Genetics).

NM_025114.4(CEP290):c.3911T>C (p.Met1304Thr)

Gene: CEP290 (centrosomal protein 290; minus strand). Cytogenetic location: 12q21.32.
Variant type: single nucleotide variant.
Coding change: c.3911T>C on transcript NM_025114.4 (MANE Select); coding-DNA position 3911, T replaced by C.
Protein change: p.Met1304Thr; replaces methionine 1304 with threonine.
Molecular consequence: missense variant.
Genome position (GRCh38, 1-based): chr12:88,089,150, A>G on the plus strand (T>C on the coding strand, the complement: CEP290 is on the minus strand). VCF-style: chr12-88089150-A-G. GRCh37 (hg19) VCF-style: chr12-88482927-A-G.
Other names: NP_079390.3:p.(Met1304Thr); c.3911T>C (NM_025114.3); short protein forms M1304T.
Identifiers: ClinVar variation 802877 (VCV000802877.13), dbSNP rs761010723, ClinGen allele CA386000433.